The following is an entry in ClinVar:

NM_001197104.2(KMT2A):c.599A>G (p.Asn200Ser)

Gene: KMT2A (lysine methyltransferase 2A; plus strand). Cytogenetic location: 11q23.3.
Variant type: single nucleotide variant.
Coding change: c.599A>G on transcript NM_001197104.2 (MANE Select); coding-DNA position 599, A replaced by G.
Protein change: p.Asn200Ser; replaces asparagine 200 with serine.
Molecular consequence: missense variant.
Genome position (GRCh38, 1-based): chr11:118,471,758, A>G. VCF-style: chr11-118471758-A-G. GRCh37 (hg19) VCF-style: chr11-118342473-A-G.
Other names: c.698A>G, p.Asn233Ser (NM_001412597.1); c.599A>G, p.Asn200Ser (NM_005933.4); short protein forms N200S, N233S.
Identifiers: ClinVar variation 2127225 (VCV002127225.4), dbSNP rs1555035547, ClinGen allele CA382806956.
Genomic context (GRCh38, chr11:118,471,758, plus strand): 5'-GAAGTGGCTCTGACCGAAATTCAGCTATCCTCTCAGATCCATCTGTGTTTTCCCCTCTAA[A>G]TAAATCAGAGACCAAATCTGGAGATAAGATCAAGAAGAAAGATTCTAAAAGTATAGAAAA-3'
Protein context (NP_001184033.1, residues 190-210): LSDPSVFSPL[Asn200Ser]KSETKSGDKI

ClinVar aggregate classification (germline): Uncertain significance (1 of 4 stars; one submission).

Allele frequency attached by ClinVar (database versions not stated): gnomAD exomes below 0.00001; TOPMed 0.00002; gnomAD 0.00001.
gnomAD v4.1: 3 of 1,613,642 alleles (0.00019%); highest among the groups gnomAD compares: African/African-American, 0.004%; no homozygotes.

Submission:

Labcorp Genetics (formerly Invitae), Labcorp
Classification: Uncertain significance. Last evaluated: 2025-06-29. Review status: criteria provided, single submitter. Criteria: Invitae Variant Classification Sherloc (09022015). Collection method: clinical testing. Allele origin: germline.
Comment: This sequence change replaces asparagine, which is neutral and polar, with serine, which is neutral and polar, at codon 200 of the KMT2A protein (p.Asn200Ser). This variant is present in population databases (no rsID available, gnomAD 0.01%). This variant has not been reported in the literature in individuals affected with KMT2A-related conditions. ClinVar contains an entry for this variant (Variation ID: 2127225). Invitae Evidence Modeling of protein sequence and biophysical properties (such as structural, functional, and spatial information, amino acid conservation, physicochemical variation, residue mobility, and thermodynamic stability) indicates that this missense variant is not expected to disrupt KMT2A protein function with a negative predictive value of 95%. In summary, the available evidence is currently insufficient to determine the role of this variant in disease. Therefore, it has been classified as a Variant of Uncertain Significance.